The following is an entry in ClinVar:

ClinVar aggregate classification (germline): Likely benign. Review status: criteria provided, multiple submitters, no conflicts (2 of 4 stars). 2 submissions from 2 submitters: Likely benign (2). Last evaluated 2025-08-14.

Conditions:
Charcot-Marie-Tooth disease axonal type 2O. Also called: CHARCOT-MARIE-TOOTH NEUROPATHY, AXONAL, TYPE 2O; CHARCOT-MARIE-TOOTH DISEASE, AXONAL, AUTOSOMAL DOMINANT, TYPE 2O; Charcot-Marie-Tooth Neuropathy Type 2O; Charcot-Marie-Tooth disease, axonal, type 20. Identifiers: Orphanet 284232, MedGen C3280220, MONDO:0013644, OMIM 614228.

Allele frequency attached by ClinVar (database versions not stated): gnomAD 0.00001; gnomAD exomes 0.00001 and 0.00002; TOPMed 0.00001; ExAC 0.00002.
gnomAD v4.1: 15 of 1,614,090 alleles (0.00093%); highest among the groups gnomAD compares: Middle Eastern, 0.016%; no homozygotes.

Submissions (2):

Mayo Clinic Laboratories, Mayo Clinic
Classification: Likely benign. Last evaluated: 2025-08-14. Review status: criteria provided, single submitter. Criteria: ACMG Guidelines, 2015. Collection method: clinical testing. Allele origin: germline. Observed: 1 variant allele.
Comment: BP4, BP7

Labcorp Genetics (formerly Invitae), Labcorp
Classification: Likely benign for Charcot-Marie-Tooth disease axonal type 2O. Last evaluated: 2024-09-03. Review status: criteria provided, single submitter. Criteria: Invitae Variant Classification Sherloc (09022015). Collection method: clinical testing. Allele origin: germline.

NM_001376.5(DYNC1H1):c.3051A>G (p.Lys1017=)

Gene: DYNC1H1 (dynein cytoplasmic 1 heavy chain 1; plus strand). Cytogenetic location: 14q32.31.
Variant type: single nucleotide variant.
Coding change: c.3051A>G on transcript NM_001376.5 (MANE Select); coding-DNA position 3051, A replaced by G.
Protein change: p.Lys1017=; no amino-acid change (lysine 1017 retained).
Molecular consequence: synonymous variant.
Genome position (GRCh38, 1-based): chr14:101,994,219, A>G. VCF-style: chr14-101994219-A-G. GRCh37 (hg19) VCF-style: chr14-102460556-A-G.
Other names: p.Lys1017=.
Identifiers: ClinVar variation 1586807 (VCV001586807.9), dbSNP rs781028481, ClinGen allele CA7351939.
Genomic context (GRCh38, chr14:101,994,219, plus strand): 5'-ATTCATTTCGGCTTTGGTTGGCTAGGTGGGTGTACATTACGAATTGACTGAGGAAGAGAA[A>G]TTCTATCGGAATGCTTTAACACGGATGCCTGATGGCCCTGTTGCCCTGGAAGAGTCGTAT-3'
Protein context (NP_001367.2, residues 1007-1027): GVHYELTEEE[Lys1017=]FYRNALTRMP